The following is an entry in ClinVar:

ClinVar aggregate classification (germline): Uncertain significance (1 of 4 stars; one submission).

gnomAD v4.1: 9 of 1,612,544 alleles (0.00056%); highest among the groups gnomAD compares: South Asian, 0.0011%; no homozygotes.

Submission:

Ambry Genetics
Classification: Uncertain significance. Last evaluated: 2025-08-05. Review status: criteria provided, single submitter. Criteria: Ambry Variant Classification Scheme 2023. Collection method: clinical testing. Allele origin: germline.
Comment: The p.A1342T variant (also known as c.4024G>A), located in coding exon 18 of the WNK2 gene, results from a G to A substitution at nucleotide position 4024. The alanine at codon 1342 is replaced by threonine, an amino acid with similar properties. This amino acid position is conserved. In addition, this alteration is predicted to be tolerated by in silico analysis. Based on the available evidence, the clinical significance of this variant remains unclear.

NM_006648.4(WNK2):c.4024G>A (p.Ala1342Thr)

Gene: WNK2 (WNK lysine deficient protein kinase 2; plus strand). Cytogenetic location: 9q22.31.
Variant type: single nucleotide variant.
Coding change: c.4024G>A on transcript NM_006648.4 (MANE Select); coding-DNA position 4024, G replaced by A.
Protein change: p.Ala1342Thr; replaces alanine 1342 with threonine.
Molecular consequence: missense variant.
Genome position (GRCh38, 1-based): chr9:93,268,737, G>A. VCF-style: chr9-93268737-G-A. GRCh37 (hg19) VCF-style: chr9-96031019-G-A.
Other names: c.4024G>A, p.Ala1342Thr (NM_001282394.3); short protein forms A1342T.
Identifiers: ClinVar variation 4201712 (VCV004201712.1).